The following is an entry in ClinVar:

NM_032119.4(ADGRV1):c.8469T>G (p.His2823Gln)

Gene: ADGRV1 (adhesion G protein-coupled receptor V1; plus strand). Cytogenetic location: 5q14.3.
Variant type: single nucleotide variant.
Coding change: c.8469T>G on transcript NM_032119.4 (MANE Select); coding-DNA position 8469, T replaced by G.
Protein change: p.His2823Gln; replaces histidine 2823 with glutamine.
Molecular consequence: missense variant. On other transcripts: non-coding transcript variant (1).
Genome position (GRCh38, 1-based): chr5:90,705,482, T>G. VCF-style: chr5-90705482-T-G. GRCh37 (hg19) VCF-style: chr5-90001299-T-G.
Other names: short protein forms H2823Q.
Identifiers: ClinVar variation 948286 (VCV000948286.36), dbSNP rs188452841, ClinGen allele CA3340270.
Genomic context (GRCh38, chr5:90,705,482, plus strand): 5'-CCTGCTTGATGCTCAAGGATATGCAGCTGTCCTCACAGTAGAAGCCAGTGATGAACCACA[T>G]GGAGTTTTAAATTTTGCTCTTTCATCAAGATTTGTGTTACTACAAGAGGCTAACATAACA-3'
Protein context (NP_115495.3, residues 2813-2833): VLTVEASDEP[His2823Gln]GVLNFALSSR

ClinVar aggregate classification (germline): Conflicting classifications of pathogenicity. Review status: criteria provided, conflicting classifications (1 of 4 stars). 6 submissions from 6 submitters: Uncertain significance (2); Benign (1); Likely benign (3). Last evaluated 2026-06-01.

Conditions:
Inborn genetic diseases. Identifiers: MedGen C0950123, MeSH D030342.
Febrile seizures, familial, 4 (FEB4). Also called: CONVULSIONS, FAMILIAL FEBRILE, 4. Identifiers: MedGen C1858493, MONDO:0011443, OMIM 604352.

Allele frequency attached by ClinVar (database versions not stated): 1000 Genomes Project 30x 0.00031; TOPMed 0.00036; gnomAD 0.00037 and 0.00039; 1000 Genomes Project 0.00040; ESP Exome Variant Server 0.00041.
gnomAD v4.1: 113 of 1,613,894 alleles (0.007%); highest among the groups gnomAD compares: African/African-American, 0.14%; 1 homozygote.

Submissions (6):

CeGaT Center for Human Genetics Tuebingen
Classification: Likely benign. Last evaluated: 2026-06-01. Review status: criteria provided, single submitter. Criteria: CeGaT Center For Human Genetics Tuebingen Variant Classification Criteria Version 2. Collection method: clinical testing. Allele origin: germline. Affected: yes. Observed: 2 variant alleles.
Comment: ADGRV1: BP4, BS2

Labcorp Genetics (formerly Invitae), Labcorp
Classification: Benign. Last evaluated: 2026-01-21. Review status: criteria provided, single submitter. Criteria: Invitae Variant Classification Sherloc (09022015). Collection method: clinical testing. Allele origin: germline.

Ambry Genetics
Classification: Uncertain significance for Inborn genetic diseases. Last evaluated: 2024-04-26. Review status: criteria provided, single submitter. Criteria: Ambry Variant Classification Scheme 2023. Collection method: clinical testing. Allele origin: germline.

Blueprint Genetics
Classification: Likely benign. Last evaluated: 2022-03-11. Review status: criteria provided, single submitter. Criteria: ACMG Guidelines, 2015. Collection method: clinical testing. Allele origin: germline.

GeneDx
Classification: Likely benign. Last evaluated: 2020-01-24. Review status: criteria provided, single submitter. Criteria: GeneDx Variant Classification Process June 2021. Collection method: clinical testing. Allele origin: germline. Affected: yes.

Baylor Genetics
Classification: Uncertain significance for Febrile seizures, familial, 4. Last evaluated: 2018-04-10. Review status: criteria provided, single submitter. Criteria: ACMG Guidelines, 2015. Collection method: clinical testing. Allele origin: paternal. Affected: yes.
Comment: This variant was determined to be of uncertain significance according to ACMG Guidelines, 2015 [PMID:25741868].